The following is an entry in ClinVar:

ClinVar aggregate classification (germline): Uncertain significance (1 of 4 stars; one submission).

Submission:

GeneDx
Classification: Uncertain significance. Last evaluated: 2022-02-03. Review status: criteria provided, single submitter. Criteria: GeneDx Variant Classification Process June 2021. Collection method: clinical testing. Allele origin: germline. Affected: yes.
Comment: Not observed at significant frequency in large population cohorts (gnomAD); In silico analysis supports that this missense variant has a deleterious effect on protein structure/function; Has not been previously published as pathogenic or benign to our knowledge

NM_022552.5(DNMT3A):c.289A>C (p.Ser97Arg)

Gene: DNMT3A (DNA methyltransferase 3 alpha; minus strand). Cytogenetic location: 2p23.3.
Variant type: single nucleotide variant.
Coding change: c.289A>C on transcript NM_022552.5 (MANE Select); coding-DNA position 289, A replaced by C.
Protein change: p.Ser97Arg; replaces serine 97 with arginine.
Molecular consequence: missense variant. On other transcripts: non-coding transcript variant (1).
Genome position (GRCh38, 1-based): chr2:25,282,600, T>G on the plus strand (A>C on the coding strand, the complement: DNMT3A is on the minus strand). VCF-style: chr2-25282600-T-G. GRCh37 (hg19) VCF-style: chr2-25505469-T-G.
Other names: c.289A>C, p.Ser97Arg (NM_001320892.2, NM_175629.2, NM_175630.1); short protein forms S97R.
Identifiers: ClinVar variation 1700278 (VCV001700278.2), dbSNP rs2149379295, ClinGen allele CA346083975.